The following is an entry in ClinVar:

NM_004947.5(DOCK3):c.5064G>A (p.Ala1688=)

Gene: DOCK3 (dedicator of cytokinesis 3; plus strand). Cytogenetic location: 3p21.2.
Variant type: single nucleotide variant.
Coding change: c.5064G>A on transcript NM_004947.5 (MANE Select); coding-DNA position 5064, G replaced by A.
Protein change: p.Ala1688=; no amino-acid change (alanine 1688 retained).
Molecular consequence: synonymous variant.
Genome position (GRCh38, 1-based): chr3:51,361,916, G>A. VCF-style: chr3-51361916-G-A. GRCh37 (hg19) VCF-style: chr3-51399347-G-A.
Other names: c.5064G>A (NM_004947.4).
Identifiers: ClinVar variation 1335527 (VCV001335527.37), dbSNP rs146000863, ClinGen allele CA2421921.
Genomic context (GRCh38, chr3:51,361,916, plus strand): 5'-CAGCCCCATGAACTTGATGGGCACAGGCCGCCATTCATCATCCTCTCTCTCCTCACATGC[G>A]TCTAGTGAAGCAGGAAACATGGTGATGCTGGGTGACGGCTCCATGGGTGATGCTCCTGAG-3'
Protein context (NP_004938.1, residues 1678-1698): RHSSSSLSSH[Ala1688=]SSEAGNMVML

ClinVar aggregate classification (germline): Likely benign. Review status: criteria provided, multiple submitters, no conflicts (2 of 4 stars). 3 submissions from 3 submitters: Likely benign (2). 1 of the submissions does not count toward it. Last evaluated 2026-06-01.

Conditions:
DOCK3-related disorder. Also called: DOCK3-related condition.

Allele frequency attached by ClinVar (database versions not stated): 1000 Genomes Project 0.00120; 1000 Genomes Project 30x 0.00141; gnomAD 0.00203 and 0.00208; gnomAD exomes 0.00223; TOPMed 0.00226; ExAC 0.00251; ESP Exome Variant Server 0.00312.
gnomAD v4.1: 4,686 of 1,613,084 alleles (0.29%); highest among the groups gnomAD compares: Admixed American, 0.34%; 15 homozygotes.

Submissions (3):

CeGaT Center for Human Genetics Tuebingen
Classification: Likely benign. Last evaluated: 2026-06-01. Review status: criteria provided, single submitter. Criteria: CeGaT Center For Human Genetics Tuebingen Variant Classification Criteria Version 2. Collection method: clinical testing. Allele origin: germline. Affected: yes. Observed: 13 variant alleles.
Comment: DOCK3: BP4, BP7, BS2

Breakthrough Genomics
Classification: Likely benign. Review status: criteria provided, single submitter. Criteria: ACMG Guidelines, 2015. Collection method: not provided. Allele origin: germline. Inheritance: Autosomal recessive inheritance. Affected: yes.

PreventionGenetics, part of Exact Sciences
Classification: Likely benign for DOCK3-related condition. Last evaluated: 2019-05-22. Review status: no assertion criteria provided. Collection method: clinical testing. Allele origin: germline. Not counted in ClinVar's aggregate classification.
Comment: This variant is classified as likely benign based on ACMG/AMP sequence variant interpretation guidelines (Richards et al. 2015 PMID: 25741868, with internal and published modifications).